The following is an entry in ClinVar:

ClinVar aggregate classification (germline): Pathogenic/Likely pathogenic. Review status: criteria provided, multiple submitters, no conflicts (2 of 4 stars). 3 submissions from 3 submitters: Pathogenic (2); Likely pathogenic (1). Last evaluated 2022-08-05.

Conditions:
Early-infantile DEE. Also called: Early infantile epileptic encephalopathy; Ohtahara syndrome; Early infantile epileptic encephalopathy with suppression bursts. Identifiers: Orphanet 1934, MedGen C0393706, MONDO:0800491.
Severe myoclonic epilepsy in infancy (DRVT). Also called: Epileptic encephalopathy, early infantile, 6 (Dravet syndrome); SEVERE MYOCLONIC EPILEPSY OF INFANCY; DEVELOPMENTAL AND EPILEPTIC ENCEPHALOPATHY 6A; Severe Myoclonic Epilepsy in Infancy (SMEI); Dravet syndrome. Identifiers: Orphanet 33069, MedGen C0751122, MONDO:0100135, OMIM 607208.

Submissions (3):

Labcorp Genetics (formerly Invitae), Labcorp
Classification: Pathogenic for Early-infantile DEE. Last evaluated: 2022-08-05. Review status: criteria provided, single submitter. Criteria: Invitae Variant Classification Sherloc (09022015). Collection method: clinical testing. Allele origin: germline.
Comment: This variant is not present in population databases (gnomAD no frequency). This missense change has been observed in individual(s) with Dravet syndrome and/or epileptic encephalopathy (PMID: 9573403, 31780880). In at least one individual the variant was observed to be de novo. ClinVar contains an entry for this variant (Variation ID: 189922). Advanced modeling of protein sequence and biophysical properties (such as structural, functional, and spatial information, amino acid conservation, physicochemical variation, residue mobility, and thermodynamic stability) performed at Invitae indicates that this missense variant is expected to disrupt SCN1A protein function. For these reasons, this variant has been classified as Pathogenic. This sequence change replaces serine, which is neutral and polar, with phenylalanine, which is neutral and non-polar, at codon 1666 of the SCN1A protein (p.Ser1666Phe).

NeuroMeGen, Hospital Clinico Santiago de Compostela
Classification: Likely pathogenic for Severe myoclonic epilepsy in infancy. Last evaluated: 2018-01-01. Review status: criteria provided, single submitter. Criteria: ACMG Guidelines, 2015. Collection method: clinical testing. Allele origin: de novo. Affected: yes. Observed: 1 heterozygote.

Center for Bioinformatics, Peking University
Classification: Pathogenic for Dravet syndrome. Last evaluated: 2014-12-20. Review status: criteria provided, single submitter. Criteria: Xu et al. (Hum Mutat. 2015). Collection method: research. Allele origin: de novo. Affected: yes. Observed: 2 variant alleles. Study: University Clinical Cooperation “985 Project” PKU-2014-1-1.
Comment: Dravet syndrome (DS) probands were recruited from the outpatient and inpatient child neurology units of Peking University First Hospital from 2005 till present. The study was approved by the Ethics Committee of Peking University First Hospital and the Institutional Review Board at Peking University. Participants or their parents provided written informed consent before enrollment. We collected a total of 267 mutations from 255 families with probands diagnosed with DS in China. All probands fulfilled the clinical diagnostic criteria.

Literature cited by the submitters: PubMed 9573403 (cited by Labcorp Genetics (formerly Invitae), Labcorp); PubMed 31780880 (cited by Labcorp Genetics (formerly Invitae), Labcorp).

NM_001165963.4(SCN1A):c.4997C>T (p.Ser1666Phe)

Genes: SCN1A (sodium voltage-gated channel alpha subunit 1; minus strand), LOC102724058 (uncharacterized LOC102724058; plus strand). Cytogenetic location: 2q24.3.
Variant type: single nucleotide variant.
Coding change: c.4997C>T on transcript NM_001165963.4 (MANE Select); coding-DNA position 4997, C replaced by T.
Protein change: p.Ser1666Phe; replaces serine 1666 with phenylalanine.
Molecular consequence: missense variant. On other transcripts: non-coding transcript variant (1).
Genome position (GRCh38, 1-based): chr2:165,992,278, G>A on the plus strand (C>T on the coding strand, the complement: SCN1A is on the minus strand). VCF-style: chr2-165992278-G-A. GRCh37 (hg19) VCF-style: chr2-166848788-G-A.
Other names: c.4913C>T, p.Ser1638Phe (NM_001165964.3, NM_001353957.2, NM_001353958.2); c.4997C>T, p.Ser1666Phe (NM_001202435.3, NM_001353948.2); c.4964C>T, p.Ser1655Phe (NM_001353949.2, NM_001353950.2, NM_001353951.2 and 2 more transcripts); c.4961C>T, p.Ser1654Phe (NM_001353954.2, NM_001353955.2); c.4910C>T, p.Ser1637Phe (NM_001353960.2); c.2555C>T, p.Ser852Phe (NM_001353961.2); short protein forms S1655F, S1666F, S1637F, S1638F, S1654F, S852F.
Identifiers: ClinVar variation 189922 (VCV000189922.6), dbSNP rs794726760, ClinGen allele CA303314.
Genomic context (GRCh38, chr2:165,992,278, plus strand): 5'-ATGGCGTAGATGAACATGACTAGGAAGAGTAGGAGGCCGATGTTAAACAACGCAGGAAGG[G>A]ACATCATCAAAGCAAAGAGCAGCGTGCGGATCCCCTTTGCTCCTTTGATCAGACGTAGGA-3'
Protein context (NP_001159435.1, residues 1656-1676): IRTLLFALMM[Ser1666Phe]LPALFNIGLL